The following is an entry in ClinVar:

NM_001042681.2(RERE):c.4406C>G (p.Pro1469Arg)

Gene: RERE (arginine-glutamic acid dipeptide repeats; minus strand). Cytogenetic location: 1p36.23.
Variant type: single nucleotide variant.
Coding change: c.4406C>G on transcript NM_001042681.2 (MANE Select); coding-DNA position 4406, C replaced by G.
Protein change: p.Pro1469Arg; replaces proline 1469 with arginine.
Molecular consequence: missense variant.
Genome position (GRCh38, 1-based): chr1:8,356,180, G>C on the plus strand (C>G on the coding strand, the complement: RERE is on the minus strand). VCF-style: chr1-8356180-G-C. GRCh37 (hg19) VCF-style: chr1-8416240-G-C.
Other names: c.2744C>G, p.Pro915Arg (NM_001042682.2); c.4406C>G, p.Pro1469Arg (NM_012102.4); short protein forms P1469R, P915R.
Identifiers: ClinVar variation 2577728 (VCV002577728.1), dbSNP rs2522680624, ClinGen allele CA338168560.

ClinVar aggregate classification (germline): Uncertain significance (1 of 4 stars; one submission).

Submission:

GeneDx
Classification: Uncertain significance. Last evaluated: 2023-02-23. Review status: criteria provided, single submitter. Criteria: GeneDx Variant Classification Process June 2021. Collection method: clinical testing. Allele origin: germline. Affected: yes.
Comment: Not observed at significant frequency in large population cohorts (gnomAD); In silico analysis supports that this missense variant has a deleterious effect on protein structure/function; Has not been previously published as pathogenic or benign to our knowledge